The following is an entry in ClinVar:

NM_001110556.2(FLNA):c.720+5A>T

Gene: FLNA (filamin A; minus strand). Cytogenetic location: Xq28.
Variant type: single nucleotide variant.
Coding change: c.720+5A>T on transcript NM_001110556.2 (MANE Select); 5 bases into the intron after coding-DNA position 720, A replaced by T.
Molecular consequence: intron variant.
Genome position (GRCh38, 1-based): chrX:154,367,636, T>A on the plus strand (A>T on the coding strand, the complement: FLNA is on the minus strand). VCF-style: chrX-154367636-T-A. GRCh37 (hg19) VCF-style: chrX-153596004-T-A.
Other names: c.720+5A>T (NM_001110556.1, NM_001456.3, NM_001456.4).
Identifiers: ClinVar variation 1006270 (VCV001006270.13), dbSNP rs1569551860, ClinGen allele CA2466658961.

ClinVar aggregate classification (germline): Conflicting classifications of pathogenicity. Review status: criteria provided, conflicting classifications (1 of 4 stars). 4 submissions from 4 submitters: Uncertain significance (2); Likely benign (1). 1 of the submissions does not count toward it. Last evaluated 2026-01-25.

Conditions:
FLNA-related disorder.
Oto-palato-digital syndrome, type II (OPD2). Also called: FACIOPALATOOSSEOUS SYNDROME; OPD II SYNDROME; Otopalatodigital Syndrome, Type II; Otopalatodigital Syndrome Type 2 (FLNA-OPD2). Identifiers: Orphanet 669, Orphanet 90652, MedGen C1844696, MONDO:0010571, OMIM 304120.
Heterotopia, periventricular, X-linked dominant (PVNH1). Also called: X-linked periventricular heterotopia; PERIVENTRICULAR NODULAR HETEROTOPIA 4; HETEROTOPIA, PERIVENTRICULAR, 1; PERIVENTRICULAR NODULAR HETEROTOPIA 1. Identifiers: Orphanet 2149, Orphanet 82004, MedGen C1848213, MONDO:0010233, OMIM 300049.
Melnick-Needles syndrome (MNS). Also called: MELNICK-NEEDLES OSTEODYSPLASTY; OSTEODYSPLASTY OF MELNICK AND NEEDLES; Melnick-Needles Syndrome (FLNA-MNS). Identifiers: Orphanet 2484, MedGen C0025237, MONDO:0010650, OMIM 309350.
Frontometaphyseal dysplasia (FMD1). Identifiers: Orphanet 1826, MedGen C0265293, MONDO:0015942.

Allele frequency attached by ClinVar (database versions not stated): TOPMed below 0.00001; gnomAD exomes 0.00001.
gnomAD v4.1: 5 of 1,210,583 alleles (0.00041%); highest among the groups gnomAD compares: Non-Finnish European, 0.00056%; no homozygotes.

Submissions (4):

Labcorp Genetics (formerly Invitae), Labcorp
Classification: Uncertain significance for Oto-palato-digital syndrome, type II; Heterotopia, periventricular, X-linked dominant; Frontometaphyseal dysplasia; Melnick-Needles syndrome. Last evaluated: 2026-01-25. Review status: criteria provided, single submitter. Criteria: Invitae Variant Classification Sherloc (09022015). Collection method: clinical testing. Allele origin: germline.
Comment: This sequence change falls in intron 4 of the FLNA gene. It does not directly change the encoded amino acid sequence of the FLNA protein. It affects a nucleotide within the consensus splice site. This variant is not present in population databases (gnomAD no frequency). This variant has not been reported in the literature in individuals affected with FLNA-related conditions. ClinVar contains an entry for this variant (Variation ID: 1006270). Variants that disrupt the consensus splice site are a relatively common cause of aberrant splicing (PMID: 17576681, 9536098). Algorithms developed to predict the effect of sequence changes on RNA splicing suggest that this variant is not likely to affect RNA splicing. In summary, the available evidence is currently insufficient to determine the role of this variant in disease. Therefore, it has been classified as a Variant of Uncertain Significance.

Mayo Clinic Laboratories, Mayo Clinic
Classification: Uncertain significance. Last evaluated: 2024-03-27. Review status: criteria provided, single submitter. Criteria: ACMG Guidelines, 2015. Collection method: clinical testing. Allele origin: germline. Observed: 2 variant alleles.
Comment: BP4

Blueprint Genetics
Classification: Likely benign. Last evaluated: 2022-07-17. Review status: criteria provided, single submitter. Criteria: ACMG Guidelines, 2015. Collection method: clinical testing. Allele origin: germline.

PreventionGenetics, part of Exact Sciences
Classification: Likely benign for FLNA-related condition. Last evaluated: 2019-06-26. Review status: no assertion criteria provided. Collection method: clinical testing. Allele origin: germline. Not counted in ClinVar's aggregate classification.
Comment: This variant is classified as likely benign based on ACMG/AMP sequence variant interpretation guidelines (Richards et al. 2015 PMID: 25741868, with internal and published modifications).

Literature cited by the submitters: PubMed 17576681 (cited by Labcorp Genetics (formerly Invitae), Labcorp); PubMed 9536098 (cited by Labcorp Genetics (formerly Invitae), Labcorp).